The following is an entry in ClinVar:

ClinVar aggregate classification (germline): Uncertain significance (1 of 4 stars; one submission).

Submission:

Labcorp Genetics (formerly Invitae), Labcorp
Classification: Uncertain significance. Last evaluated: 2023-04-09. Review status: criteria provided, single submitter. Criteria: Invitae Variant Classification Sherloc (09022015). Collection method: clinical testing. Allele origin: germline.
Comment: This variant, c.369_383del, results in the deletion of 5 amino acid(s) of the KRT10 protein (p.Gly126_Gly130del), but otherwise preserves the integrity of the reading frame. The frequency data for this variant in the population databases is considered unreliable, as metrics indicate poor data quality at this position in the gnomAD database. In summary, the available evidence is currently insufficient to determine the role of this variant in disease. Therefore, it has been classified as a Variant of Uncertain Significance. Experimental studies and prediction algorithms are not available or were not evaluated, and the functional significance of this variant is currently unknown. This variant has not been reported in the literature in individuals affected with KRT10-related conditions.

NM_000421.5(KRT10):c.354TGGAGGCGGCTTTGG[1] (p.121GFGGG[1])

Genes: KRT10 (keratin 10; minus strand), KRT10-AS1 (KRT10 antisense RNA 1; plus strand). Cytogenetic location: 17q21.2.
Variant type: Microsatellite.
Coding change: c.354TGGAGGCGGCTTTGG[1] on transcript NM_000421.5 (MANE Select); one copy of the 15-base unit TGGAGGCGGCTTTGG starting at c.354; the reference has two copies in a row; one copy, 15 bases deleted.
Protein change: p.121GFGGG[1].
Molecular consequence: inframe deletion.
Genome position (GRCh38, 1-based): chr17:40,822,203-40,822,217, CCAAAGCCGCCTCCA deleted on the plus strand (TGGAGGCGGCTTTGG on the coding strand, the reverse complement: KRT10 is on the minus strand); deleting any 15 consecutive bases within chr17:40,822,203-40,822,239 gives the same sequence; the position shown is the placement nearest the transcript's 3' end. VCF-style (leftmost placement, unchanged base first): chr17-40822202-TCCAAAGCCGCCTCCA-T. GRCh37 (hg19) VCF-style: chr17-38978454-TCCAAAGCCGCCTCCA-T.
Other names: c.354TGGAGGCGGCTTTGG[1], p.121GFGGG[1] (NM_001379366.1).
Identifiers: ClinVar variation 2966914 (VCV002966914.3), dbSNP rs758685124, ClinGen allele CA626212474.